The following is an entry in ClinVar:

NM_000135.4(FANCA):c.2601+9A>T

Gene: FANCA (FA complementation group A; minus strand). Cytogenetic location: 16q24.3.
Variant type: single nucleotide variant.
Coding change: c.2601+9A>T on transcript NM_000135.4 (MANE Select); 9 bases into the intron after coding-DNA position 2601, A replaced by T.
Molecular consequence: intron variant.
Genome position (GRCh38, 1-based): chr16:89,767,132, T>A on the plus strand (A>T on the coding strand, the complement: FANCA is on the minus strand). VCF-style: chr16-89767132-T-A. GRCh37 (hg19) VCF-style: chr16-89833540-T-A.
Other names: c.2601+9A>T (LRG_495t1, NM_001286167.3).
Identifiers: ClinVar variation 435119 (VCV000435119.20), dbSNP rs771837383, ClinGen allele CA8251668.

ClinVar aggregate classification (germline): Conflicting classifications of pathogenicity. Review status: criteria provided, conflicting classifications (1 of 4 stars). 3 submissions from 3 submitters: Uncertain significance (2); Likely benign (1). Last evaluated 2026-01-01.

Conditions:
Fanconi anemia (FA). Also called: Fanconi's anemia. Identifiers: Orphanet 84, MedGen C0015625, MeSH D005199, MONDO:0019391.

Allele frequency attached by ClinVar (database versions not stated): gnomAD exomes below 0.00001 and 0.00001; ExAC 0.00001.
gnomAD v4.1: 9 of 1,599,236 alleles (0.00056%); highest among the groups gnomAD compares: South Asian, 0.0011%; no homozygotes.

Submissions (3):

CeGaT Center for Human Genetics Tuebingen
Classification: Uncertain significance. Last evaluated: 2026-01-01. Review status: criteria provided, single submitter. Criteria: CeGaT Center For Human Genetics Tuebingen Variant Classification Criteria Version 2. Collection method: clinical testing. Allele origin: germline. Affected: yes. Observed: 1 variant allele.
Comment: FANCA: PM2

Labcorp Genetics (formerly Invitae), Labcorp
Classification: Likely benign for Fanconi anemia. Last evaluated: 2023-12-25. Review status: criteria provided, single submitter. Criteria: Invitae Variant Classification Sherloc (09022015). Collection method: clinical testing. Allele origin: germline.

Genetic Services Laboratory, University of Chicago
Classification: Uncertain significance. Last evaluated: 2015-11-18. Review status: criteria provided, single submitter. Criteria: ACMG Guidelines, 2015. Collection method: clinical testing. Allele origin: germline. Affected: no.